The following is an entry in ClinVar:

NM_004187.5(KDM5C):c.3120A>G (p.Gln1040=)

Gene: KDM5C (lysine demethylase 5C; minus strand). Cytogenetic location: Xp11.22.
Variant type: single nucleotide variant.
Coding change: c.3120A>G on transcript NM_004187.5 (MANE Select); coding-DNA position 3120, A replaced by G.
Protein change: p.Gln1040=; no amino-acid change (glutamine 1040 retained).
Molecular consequence: synonymous variant. On other transcripts: non-coding transcript variant (3).
Genome position (GRCh38, 1-based): chrX:53,195,916, T>C on the plus strand (A>G on the coding strand, the complement: KDM5C is on the minus strand). VCF-style: chrX-53195916-T-C. GRCh37 (hg19) VCF-style: chrX-53225098-T-C.
Other names: c.2919A>G, p.Gln973= (NM_001146702.2); c.3117A>G, p.Gln1039= (NM_001282622.3, NM_001353979.2, NM_001353982.2); c.3120A>G, p.Gln1040= (NM_001353978.3, NM_001353981.2, NM_001353984.2).
Identifiers: ClinVar variation 2723536 (VCV002723536.3), dbSNP rs782041112, ClinGen allele CA10419282.
Genomic context (GRCh38, chrX:53,195,916, plus strand): 5'-TATATGCCATCTCTTCCCAGCTGGACTGAAGGCCTGGGGTGGGAGTGGCAGGGTCCTCAC[T>C]TGGATCTCATCAACATCAGCAATCCAGGCCCGGGCCTTAGCAAGAGCCTCCTTGAGAGCC-3'
Protein context (NP_004178.2, residues 1030-1050): RAWIADVDEI[Gln1040=]NGDHYPCLDD

ClinVar aggregate classification (germline): Uncertain significance (1 of 4 stars; one submission).

Conditions:
Spastic paraplegia. Identifiers: MedGen C0037772, HP:0001258.

Allele frequency attached by ClinVar (database versions not stated): gnomAD exomes below 0.00001; ExAC 0.00002; TOPMed 0.00002; gnomAD 0.00003.
gnomAD v4.1: 5 of 1,204,596 alleles (0.00042%); highest among the groups gnomAD compares: African/African-American, 0.0087%; no homozygotes.

Submission:

Labcorp Genetics (formerly Invitae), Labcorp
Classification: Uncertain significance for Spastic paraplegia. Last evaluated: 2023-02-16. Review status: criteria provided, single submitter. Criteria: Invitae Variant Classification Sherloc (09022015). Collection method: clinical testing. Allele origin: germline.
Comment: In summary, the available evidence is currently insufficient to determine the role of this variant in disease. Therefore, it has been classified as a Variant of Uncertain Significance. Algorithms developed to predict the effect of sequence changes on RNA splicing suggest that this variant is not likely to affect RNA splicing. This variant has not been reported in the literature in individuals affected with KDM5C-related conditions. The frequency data for this variant in the population databases is considered unreliable, as metrics indicate poor data quality at this position in the gnomAD database. This sequence change affects codon 1040 of the KDM5C mRNA. It is a 'silent' change, meaning that it does not change the encoded amino acid sequence of the KDM5C protein. It affects a nucleotide within the consensus splice site.